The following is an entry in ClinVar:

NM_003073.5(SMARCB1):c.845A>G (p.Asp282Gly)

Gene: SMARCB1 (SWI/SNF related BAF chromatin remodeling complex subunit B1; plus strand). Cytogenetic location: 22q11.23.
Variant type: single nucleotide variant.
Coding change: c.845A>G on transcript NM_003073.5 (MANE Select); coding-DNA position 845, A replaced by G.
Protein change: p.Asp282Gly; replaces aspartic acid 282 with glycine.
Molecular consequence: missense variant.
Genome position (GRCh38, 1-based): chr22:23,825,274, A>G. VCF-style: chr22-23825274-A-G. GRCh37 (hg19) VCF-style: chr22-24167461-A-G.
Other names: c.818A>G, p.Asp273Gly (NM_001007468.3); c.872A>G, p.Asp291Gly (NM_001317946.2); c.899A>G, p.Asp300Gly (NM_001362877.2); short protein forms D273G, D300G, D282G, D291G.
Identifiers: ClinVar variation 852251 (VCV000852251.10), dbSNP rs2030320561, ClinGen allele CA410907012.

ClinVar aggregate classification (germline): Uncertain significance. Review status: criteria provided, multiple submitters, no conflicts (2 of 4 stars). 2 submissions from 2 submitters: Uncertain significance (2). Last evaluated 2026-08-03.

Conditions:
Hereditary cancer-predisposing syndrome. Also called: Tumor predisposition; Hereditary neoplastic syndrome; Neoplastic Syndromes, Hereditary; Hereditary Cancer Syndrome. Identifiers: Orphanet 140162, MedGen C0027672, MeSH D009386, MONDO:0015356.

Submissions (2):

Ambry Genetics
Classification: Uncertain significance for Hereditary cancer-predisposing syndrome. Last evaluated: 2026-08-03. Review status: criteria provided, single submitter. Criteria: Ambry Variant Classification Scheme 2023. Collection method: clinical testing. Allele origin: germline.
Comment: The p.D282G variant (also known as c.845A>G), located in coding exon 7 of the SMARCB1 gene, results from an A to G substitution at nucleotide position 845. The aspartic acid at codon 282 is replaced by glycine, an amino acid with similar properties. This amino acid position is conserved. In addition, this alteration is predicted to be deleterious by in silico analysis. Based on the available evidence, the clinical significance of this variant remains unclear.

Labcorp Genetics (formerly Invitae), Labcorp
Classification: Uncertain significance. Last evaluated: 2019-02-07. Review status: criteria provided, single submitter. Criteria: Invitae Variant Classification Sherloc (09022015). Collection method: clinical testing. Allele origin: germline.
Comment: This sequence change replaces aspartic acid with glycine at codon 282 of the SMARCB1 protein (p.Asp282Gly). The aspartic acid residue is highly conserved and there is a moderate physicochemical difference between aspartic acid and glycine. In summary, the available evidence is currently insufficient to determine the role of this variant in disease. Therefore, it has been classified as a Variant of Uncertain Significance. Algorithms developed to predict the effect of missense changes on protein structure and function (SIFT, PolyPhen-2, Align-GVGD) all suggest that this variant is likely to be disruptive, but these predictions have not been confirmed by published functional studies and their clinical significance is uncertain. This variant has not been reported in the literature in individuals with SMARCB1-related conditions. This variant is not present in population databases (ExAC no frequency).